The following is an entry in ClinVar:

NM_017763.6(RNF43):c.887G>A (p.Arg296His)

Gene: RNF43 (ring finger protein 43; minus strand). Cytogenetic location: 17q22.
Variant type: single nucleotide variant.
Coding change: c.887G>A on transcript NM_017763.6 (MANE Select); coding-DNA position 887, G replaced by A.
Protein change: p.Arg296His; replaces arginine 296 with histidine.
Molecular consequence: missense variant.
Genome position (GRCh38, 1-based): chr17:58,360,214, C>T on the plus strand (G>A on the coding strand, the complement: RNF43 is on the minus strand). VCF-style: chr17-58360214-C-T. GRCh37 (hg19) VCF-style: chr17-56437575-C-T.
Other names: c.887G>A (NM_017763.4); c.887G>A, p.Arg296His (NM_001305544.3); c.506G>A, p.Arg169His (NM_001305545.2); short protein forms R169H, R296H.
Identifiers: ClinVar variation 967425 (VCV000967425.13), dbSNP rs1459309530, ClinGen allele CA400333483.

ClinVar aggregate classification (germline): Uncertain significance. Review status: criteria provided, multiple submitters, no conflicts (2 of 4 stars). 4 submissions from 4 submitters: Uncertain significance (4). Last evaluated 2025-01-17.

Conditions:
Sessile serrated polyposis cancer syndrome (SSPCS). Identifiers: Orphanet 157798, MedGen C4310714, MONDO:0014919, OMIM 617108.

Submissions (4):

Ambry Genetics
Classification: Uncertain significance. Last evaluated: 2025-01-17. Review status: criteria provided, single submitter. Criteria: Ambry Variant Classification Scheme 2023. Collection method: clinical testing. Allele origin: germline.
Comment: The p.R296H variant (also known as c.887G>A), located in coding exon 7 of the RNF43 gene, results from a G to A substitution at nucleotide position 887. The arginine at codon 296 is replaced by histidine, an amino acid with highly similar properties. This amino acid position is not well conserved in available vertebrate species. In addition, this alteration is predicted to be tolerated by in silico analysis. The evidence for this gene-disease relationship is limited; therefore, the clinical significance of this alteration is unclear.

GeneDx
Classification: Uncertain significance. Last evaluated: 2024-10-08. Review status: criteria provided, single submitter. Criteria: GeneDx Variant Classification Process June 2021. Collection method: clinical testing. Allele origin: germline. Affected: yes.
Comment: Observed in an individual with pancreatic cancer (PMID: 35171259); Published functional studies demonstrate comparable protein expression and increased B-catenin activation compared to wild-type (PMID: 36097219); Not observed at significant frequency in large population cohorts (gnomAD); In silico analysis supports that this missense variant has a deleterious effect on protein structure/function; This variant is associated with the following publications: (PMID: 35171259, 36097219)

Baylor Genetics
Classification: Uncertain significance for Sessile serrated polyposis cancer syndrome. Last evaluated: 2023-10-10. Review status: criteria provided, single submitter. Criteria: ACMG Guidelines, 2015. Collection method: clinical testing. Allele origin: unknown.

Labcorp Genetics (formerly Invitae), Labcorp
Classification: Uncertain significance. Last evaluated: 2022-08-07. Review status: criteria provided, single submitter. Criteria: Invitae Variant Classification Sherloc (09022015). Collection method: clinical testing. Allele origin: germline.
Comment: This sequence change replaces arginine, which is basic and polar, with histidine, which is basic and polar, at codon 296 of the RNF43 protein (p.Arg296His). This variant is present in population databases (no rsID available, gnomAD 0.003%). This variant has not been reported in the literature in individuals affected with RNF43-related conditions. In summary, the available evidence is currently insufficient to determine the role of this variant in disease. Therefore, it has been classified as a Variant of Uncertain Significance. Algorithms developed to predict the effect of missense changes on protein structure and function are either unavailable or do not agree on the potential impact of this missense change (SIFT: "Deleterious"; PolyPhen-2: "Possibly Damaging"; Align-GVGD: "Class C0"). ClinVar contains an entry for this variant (Variation ID: 967425).